The following is an entry in ClinVar:

ClinVar aggregate classification (germline): Conflicting classifications of pathogenicity. Review status: criteria provided, conflicting classifications (1 of 4 stars). 5 submissions from 4 submitters: Likely pathogenic (1); Uncertain significance (3). 1 of the submissions does not count toward it. Last evaluated 2023-09-16.

Conditions:
Transitory neonatal diabetes mellitus. Also called: Transient neonatal diabetes mellitus. Identifiers: MedGen C0342273, MONDO:0020525, HP:0008255.
Maturity-onset diabetes of the young (MODY). Also called: Maturity onset diabetes mellitus in young. Identifiers: Orphanet 552, MedGen C0342276, MONDO:0018911, HP:0004904.
Hyperinsulinemic hypoglycemia, familial, 1 (HHF1). Also called: Persistent hyperinsulinemic hypoglycemia of infancy; Persistent Hyperinsulinemia Hypoglycemia of Infancy; HYPERINSULINISM, FAMILIAL, WITH PANCREATIC NESIDIOBLASTOSIS; HYPOGLYCEMIA, HYPERINSULINEMIC, OF INFANCY; NESIDIOBLASTOSIS OF PANCREAS. Identifiers: Orphanet 276575, Orphanet 276598, MedGen C2931832, MONDO:0009734, OMIM 256450.

gnomAD v4.1: 1 of 1,612,346 alleles (0.000062%); highest among the groups gnomAD compares: Non-Finnish European, 0.000085%; no homozygotes.

Submissions (5):

Blueprint Genetics
Classification: Uncertain significance. Last evaluated: 2023-09-16. Review status: criteria provided, single submitter. Criteria: ACMG Guidelines, 2015. Collection method: clinical testing. Allele origin: germline.

Genetic Services Laboratory, University of Chicago
Classification: Likely pathogenic. Last evaluated: 2018-04-27. Review status: criteria provided, single submitter. Criteria: ACMG Guidelines, 2015. Collection method: clinical testing. Allele origin: germline. Affected: yes.

Clinical Genomics, Uppaluri K&H Personalized Medicine Clinic
Classification: Uncertain significance for Maturity-onset diabetes of the young. Review status: criteria provided, single submitter. Criteria: K & H Uppaluri Personalized Medicine Clinic Variant Classification & Assertion Criteria_Updated V.1. Collection method: research. Allele origin: unknown. Inheritance: Somatic mutation.
Comment: Mutations in ABCC8 gene are associated with both neonatal diabetes mellitus as well as MODY. Patients with this mutation may have a better response to sulfonylureas. However, no sufficient evidence is found to ascertain the role of this particular variant (rs1554949242) in MODY yet.

Clinical Genomics, Uppaluri K&H Personalized Medicine Clinic
Classification: Uncertain significance for Transitory neonatal diabetes mellitus. Review status: criteria provided, single submitter. Criteria: K & H Uppaluri Personalized Medicine Clinic Variant Classification & Assertion Criteria_Updated V.1. Collection method: research. Allele origin: unknown. Inheritance: Somatic mutation.
Comment: Mutations in ABCC8 gene are associated with both neonatal diabetes mellitus as well as MODY. Patients with this mutation may have a better response to sulfonylureas. However, no sufficient evidence is found to ascertain the role of this particular variant (rs1554949242) in neonatal diabetes yet.

Counsyl
Classification: Uncertain significance for Hyperinsulinemic hypoglycemia, familial, 1. Last evaluated: 2018-03-13. Review status: no assertion criteria provided. Collection method: clinical testing. Allele origin: unknown. Not counted in ClinVar's aggregate classification.

Literature cited by the submitters: PubMed 16885549 (cited by Clinical Genomics, Uppaluri K&H Personalized Medicine Clinic); PubMed 21989597 (cited by Clinical Genomics, Uppaluri K&H Personalized Medicine Clinic); PubMed 27538677 (cited by Clinical Genomics, Uppaluri K&H Personalized Medicine Clinic); PubMed 18981553 (cited by Clinical Genomics, Uppaluri K&H Personalized Medicine Clinic); PubMed 32027066 (cited by Clinical Genomics, Uppaluri K&H Personalized Medicine Clinic); PubMed 16613899 (cited by Clinical Genomics, Uppaluri K&H Personalized Medicine Clinic); PubMed 18025408 (cited by Clinical Genomics, Uppaluri K&H Personalized Medicine Clinic); PubMed 32792356 (cited by Clinical Genomics, Uppaluri K&H Personalized Medicine Clinic); PubMed 27573238 (cited by Counsyl); PubMed 23275527 (cited by Counsyl).

NM_000352.6(ABCC8):c.119T>G (p.Leu40Arg)

Gene: ABCC8 (ATP binding cassette subfamily C member 8; minus strand). Cytogenetic location: 11p15.1.
Variant type: single nucleotide variant.
Coding change: c.119T>G on transcript NM_000352.6 (MANE Select); coding-DNA position 119, T replaced by G.
Protein change: p.Leu40Arg; replaces leucine 40 with arginine.
Molecular consequence: missense variant. On other transcripts: non-coding transcript variant (1).
Genome position (GRCh38, 1-based): chr11:17,476,658, A>C on the plus strand (T>G on the coding strand, the complement: ABCC8 is on the minus strand). VCF-style: chr11-17476658-A-C. GRCh37 (hg19) VCF-style: chr11-17498205-A-C.
Other names: c.119T>G, p.Leu40Arg (NM_001287174.3, NM_001351295.2, NM_001351296.2 and 1 more transcripts); short protein forms L40R.
Identifiers: ClinVar variation 557237 (VCV000557237.8), dbSNP rs1554949242, ClinGen allele CA379789899.